The following is an entry in ClinVar:

NM_198578.4(LRRK2):c.6014T>C (p.Leu2005Pro)

Gene: LRRK2 (leucine rich repeat kinase 2; plus strand). Cytogenetic location: 12q12.
Variant type: single nucleotide variant.
Coding change: c.6014T>C on transcript NM_198578.4 (MANE Select); coding-DNA position 6014, T replaced by C.
Protein change: p.Leu2005Pro; replaces leucine 2005 with proline.
Molecular consequence: missense variant.
Genome position (GRCh38, 1-based): chr12:40,340,359, T>C. VCF-style: chr12-40340359-T-C. GRCh37 (hg19) VCF-style: chr12-40734161-T-C.
Other names: short protein forms L2005P.
Identifiers: ClinVar variation 3121148 (VCV003121148.2), dbSNP rs1309365117, ClinGen allele CA384403779.
Genomic context (GRCh38, chr12:40,340,359, plus strand): 5'-TCCACTCAGCCATGATTATATACCGAGACCTGAAACCCCACAATGTGCTGCTTTTCACAC[T>C]GTATCCCAATGCTGCCATCATTGCAAAGATTGCTGACTACGGCATTGCTCAGTACTGCTG-3'
Protein context (NP_940980.4, residues 1995-2015): LKPHNVLLFT[Leu2005Pro]YPNAAIIAKI

ClinVar aggregate classification (germline): Uncertain significance (1 of 4 stars; one submission).

Conditions:
Inborn genetic diseases. Identifiers: MedGen C0950123, MeSH D030342.

Allele frequency attached by ClinVar (database versions not stated): TOPMed below 0.00001; gnomAD 0.00001.
gnomAD v4.1: 4 of 1,613,816 alleles (0.00025%); highest among the groups gnomAD compares: East Asian, 0.0022%; no homozygotes.

Submission:

Ambry Genetics
Classification: Uncertain significance for Inborn genetic diseases. Last evaluated: 2024-07-15. Review status: criteria provided, single submitter. Criteria: Ambry Variant Classification Scheme 2023. Collection method: clinical testing. Allele origin: germline.
Comment: The p.L2005P variant (also known as c.6014T>C), located in coding exon 41 of the LRRK2 gene, results from a T to C substitution at nucleotide position 6014. The leucine at codon 2005 is replaced by proline, an amino acid with similar properties. This amino acid position is conserved. In addition, this alteration is predicted to be deleterious by in silico analysis. Based on the available evidence, the clinical significance of this variant remains unclear.